The following is an entry in ClinVar:

NM_001430.5(EPAS1):c.899G>A (p.Gly300Asp)

Gene: EPAS1 (endothelial PAS domain protein 1; plus strand). Cytogenetic location: 2p21.
Variant type: single nucleotide variant.
Coding change: c.899G>A on transcript NM_001430.5 (MANE Select); coding-DNA position 899, G replaced by A.
Protein change: p.Gly300Asp; replaces glycine 300 with aspartic acid.
Molecular consequence: missense variant.
Genome position (GRCh38, 1-based): chr2:46,375,702, G>A. VCF-style: chr2-46375702-G-A. GRCh37 (hg19) VCF-style: chr2-46602841-G-A.
Other names: short protein forms G300D.
Identifiers: ClinVar variation 1765382 (VCV001765382.2), dbSNP rs745854391, ClinGen allele CA1644820.

ClinVar aggregate classification (germline): Uncertain significance (1 of 4 stars; one submission).

Conditions:
Inborn genetic diseases. Identifiers: MedGen C0950123, MeSH D030342.

Allele frequency attached by ClinVar (database versions not stated): ExAC 0.00001.

Submission:

Ambry Genetics
Classification: Uncertain significance for Inborn genetic diseases. Last evaluated: 2021-07-08. Review status: criteria provided, single submitter. Criteria: Ambry Variant Classification Scheme 2023. Collection method: clinical testing. Allele origin: germline.
Comment: The p.G300D variant (also known as c.899G>A), located in coding exon 8 of the EPAS1 gene, results from a G to A substitution at nucleotide position 899. The glycine at codon 300 is replaced by aspartic acid, an amino acid with similar properties. This amino acid position is conserved. In addition, the in silico prediction for this alteration is inconclusive. Since supporting evidence is limited at this time, the clinical significance of this alteration remains unclear.